The following is an entry in ClinVar:

NM_015295.3(SMCHD1):c.2743T>C (p.Ser915Pro)

Gene: SMCHD1 (structural maintenance of chromosomes flexible hinge domain containing 1; plus strand). Cytogenetic location: 18p11.32.
Variant type: single nucleotide variant.
Coding change: c.2743T>C on transcript NM_015295.3 (MANE Select); coding-DNA position 2743, T replaced by C.
Protein change: p.Ser915Pro; replaces serine 915 with proline.
Molecular consequence: missense variant.
Genome position (GRCh38, 1-based): chr18:2,726,494, T>C. VCF-style: chr18-2726494-T-C. GRCh37 (hg19) VCF-style: chr18-2726492-T-C.
Other names: short protein forms S915P.
Identifiers: ClinVar variation 2837476 (VCV002837476.3), dbSNP rs2510079664, ClinGen allele CA401682534.

ClinVar aggregate classification (germline): Uncertain significance (1 of 4 stars; one submission).

Conditions:
Facioscapulohumeral muscular dystrophy 2 (FSHD2). Also called: MUSCULAR DYSTROPHY, FACIOSCAPULOHUMERAL, TYPE 1B; FACIOSCAPULOHUMERAL MUSCULAR DYSTROPHY 2, DIGENIC; FSHD2, DIGENIC. Identifiers: Orphanet 269, MedGen C1834671, MONDO:0008031, OMIM 158901.

Submission:

Labcorp Genetics (formerly Invitae), Labcorp
Classification: Uncertain significance for Facioscapulohumeral muscular dystrophy 2. Last evaluated: 2024-04-09. Review status: criteria provided, single submitter. Criteria: Invitae Variant Classification Sherloc (09022015). Collection method: clinical testing. Allele origin: germline.
Comment: This sequence change replaces serine, which is neutral and polar, with proline, which is neutral and non-polar, at codon 915 of the SMCHD1 protein (p.Ser915Pro). This variant is not present in population databases (gnomAD no frequency). This variant has not been reported in the literature in individuals affected with SMCHD1-related conditions. Advanced modeling of protein sequence and biophysical properties (such as structural, functional, and spatial information, amino acid conservation, physicochemical variation, residue mobility, and thermodynamic stability) performed at Invitae indicates that this missense variant is not expected to disrupt SMCHD1 protein function with a negative predictive value of 80%. In summary, the available evidence is currently insufficient to determine the role of this variant in disease. Therefore, it has been classified as a Variant of Uncertain Significance.